The following is an entry in ClinVar:

NM_000268.4(NF2):c.1574+4T>G

Gene: NF2 (NF2, moesin-ezrin-radixin like (MERLIN) tumor suppressor; plus strand). Cytogenetic location: 22q12.2.
Variant type: single nucleotide variant.
Coding change: c.1574+4T>G on transcript NM_000268.4 (MANE Select); 4 bases into the intron after coding-DNA position 1574, T replaced by G.
Molecular consequence: intron variant.
Genome position (GRCh38, 1-based): chr22:29,678,327, T>G. VCF-style: chr22-29678327-T-G. GRCh37 (hg19) VCF-style: chr22-30074316-T-G.
Other names: c.1574+4T>G (NM_016418.5, NM_181832.3, NM_181825.3); c.448-16425T>G (NM_181833.3); c.1451+4T>G (NM_181829.3); c.1448+4T>G (NM_181828.3); c.1325+4T>G (NM_181830.3, NM_181831.3).
Identifiers: ClinVar variation 1775549 (VCV001775549.4), dbSNP rs1556002586, ClinGen allele CA2580099529.
Genomic context (GRCh38, chr22:29,678,327, plus strand): 5'-TTTCGACTTCAAAGATACTGACATGAAGCGGCTTTCCATGGAGATAGAGAAAGAAAAGTA[T>G]GTAGCCCCCTGTGCCCTGCTGTGGGCAGCTGTGAACTAGACTGAGTGATTGGGGCCTTGG-3'

ClinVar aggregate classification (germline): Uncertain significance. Review status: criteria provided, multiple submitters, no conflicts (2 of 4 stars). 2 submissions from 2 submitters: Uncertain significance (2). Last evaluated 2025-12-01.

Conditions:
Neurofibromatosis, type 2 (SWNV). Also called: NF2-Related Schwannomatosis; SCHWANNOMATOSIS, VESTIBULAR; BILATERAL ACOUSTIC NEUROFIBROMATOSIS. Identifiers: Orphanet 637, MedGen C0027832, MONDO:0007039, OMIM 101000. Disease mechanism: loss of function.
Hereditary cancer-predisposing syndrome. Also called: Tumor predisposition; Neoplastic Syndromes, Hereditary; Hereditary Cancer Syndrome; Hereditary neoplastic syndrome. Identifiers: Orphanet 140162, MedGen C0027672, MeSH D009386, MONDO:0015356.

gnomAD v4.1: 1 of 1,613,276 alleles (0.000062%); no homozygotes.

Submissions (2):

Labcorp Genetics (formerly Invitae), Labcorp
Classification: Uncertain significance for Neurofibromatosis, type 2. Last evaluated: 2025-12-01. Review status: criteria provided, single submitter. Criteria: Invitae Variant Classification Sherloc (09022015). Collection method: clinical testing. Allele origin: germline.
Comment: This sequence change falls in intron 14 of the NF2 gene. It does not directly change the encoded amino acid sequence of the NF2 protein. It affects a nucleotide within the consensus splice site. This variant is not present in population databases (gnomAD no frequency). This variant has not been reported in the literature in individuals affected with NF2-related conditions. ClinVar contains an entry for this variant (Variation ID: 1775549). Variants that disrupt the consensus splice site are a relatively common cause of aberrant splicing (PMID: 17576681, 9536098). Algorithms developed to predict the effect of sequence changes on RNA splicing suggest that this variant is not likely to affect RNA splicing. In summary, the available evidence is currently insufficient to determine the role of this variant in disease. Therefore, it has been classified as a Variant of Uncertain Significance.

Ambry Genetics
Classification: Uncertain significance for Hereditary cancer-predisposing syndrome. Last evaluated: 2025-05-27. Review status: criteria provided, single submitter. Criteria: Ambry Variant Classification Scheme 2023. Collection method: clinical testing. Allele origin: germline.
Comment: The c.1574+4T>G intronic variant results from a T to G substitution 4 nucleotides after coding exon 14 in the NF2 gene. This nucleotide position is poorly conserved in available vertebrate species. In silico splice site analysis predicts that this alteration will not have any significant effect on splicing. Since supporting evidence is limited at this time, the clinical significance of this alteration remains unclear.

Literature cited by the submitters: PubMed 17576681 (cited by Labcorp Genetics (formerly Invitae), Labcorp); PubMed 9536098 (cited by Labcorp Genetics (formerly Invitae), Labcorp).